The following is an entry in ClinVar:

NM_006662.3(SRCAP):c.4069A>G (p.Thr1357Ala)

Gene: SRCAP (Snf2 related CREBBP activator protein; plus strand). Cytogenetic location: 16p11.2.
Variant type: single nucleotide variant.
Coding change: c.4069A>G on transcript NM_006662.3 (MANE Select); coding-DNA position 4069, A replaced by G.
Protein change: p.Thr1357Ala; replaces threonine 1357 with alanine.
Molecular consequence: missense variant.
Genome position (GRCh38, 1-based): chr16:30,723,139, A>G. VCF-style: chr16-30723139-A-G. GRCh37 (hg19) VCF-style: chr16-30734460-A-G.
Other names: short protein forms T1357A.
Identifiers: ClinVar variation 4281393 (VCV004281393.7).
Genomic context (GRCh38, chr16:30,723,139, plus strand): 5'-GGGCTTCCAGCTGTGTTGAATCCACGCCCCACGTTAACCCCTGGCCGGCTACCCACACCT[A>G]CTCTGGGTACTGCTCGAGCCCCCATGCCCACACCCACTCTGGTGAGGCCTCTTCTCAAGC-3'
Protein context (NP_006653.2, residues 1347-1367): TLTPGRLPTP[Thr1357Ala]LGTARAPMPT

ClinVar aggregate classification (germline): Likely benign (1 of 4 stars; one submission).

gnomAD v4.1: 1 of 1,613,244 alleles (0.000062%); highest among the groups gnomAD compares: Admixed American, 0.0017%; no homozygotes.

Submission:

CeGaT Center for Human Genetics Tuebingen
Classification: Likely benign. Last evaluated: 2025-09-01. Review status: criteria provided, single submitter. Criteria: CeGaT Center For Human Genetics Tuebingen Variant Classification Criteria Version 2. Collection method: clinical testing. Allele origin: germline. Affected: yes. Observed: 1 variant allele.
Comment: SRCAP: BP4